The following is an entry in ClinVar:

ClinVar aggregate classification (germline): Uncertain significance (1 of 4 stars; one submission).

Conditions:
Hereditary cancer-predisposing syndrome. Also called: Tumor predisposition; Hereditary Cancer Syndrome; Hereditary neoplastic syndrome; Neoplastic Syndromes, Hereditary. Identifiers: Orphanet 140162, MedGen C0027672, MeSH D009386, MONDO:0015356.

Submission:

Ambry Genetics
Classification: Uncertain significance for Hereditary cancer-predisposing syndrome. Last evaluated: 2024-05-17. Review status: criteria provided, single submitter. Criteria: Ambry Variant Classification Scheme 2023. Collection method: clinical testing. Allele origin: germline.
Comment: The p.V208A variant (also known as c.623T>C), located in coding exon 4 of the NTHL1 gene, results from a T to C substitution at nucleotide position 623. The valine at codon 208 is replaced by alanine, an amino acid with similar properties. This amino acid position is conserved. In addition, this alteration is predicted to be tolerated by in silico analysis. Based on the available evidence, the clinical significance of this variant remains unclear.

NM_002528.7(NTHL1):c.599T>C (p.Val200Ala)

Gene: NTHL1 (nth like DNA glycosylase 1; minus strand). Cytogenetic location: 16p13.3.
Variant type: single nucleotide variant.
Coding change: c.599T>C on transcript NM_002528.7 (MANE Select); coding-DNA position 599, T replaced by C.
Protein change: p.Val200Ala; replaces valine 200 with alanine.
Molecular consequence: missense variant.
Genome position (GRCh38, 1-based): chr16:2,043,653, A>G on the plus strand (T>C on the coding strand, the complement: NTHL1 is on the minus strand). VCF-style: chr16-2043653-A-G. GRCh37 (hg19) VCF-style: chr16-2093654-A-G.
Other names: c.428T>C, p.Val143Ala (NM_001318193.2); c.269T>C, p.Val90Ala (NM_001318194.2); short protein forms V143A, V90A, V200A.
Identifiers: ClinVar variation 3301266 (VCV003301266.1).